The following is an entry in ClinVar:

NM_017612.5(ZCCHC8):c.644G>T (p.Gly215Val)

Gene: ZCCHC8 (zinc finger CCHC-type containing 8; minus strand). Cytogenetic location: 12q24.31.
Variant type: single nucleotide variant.
Coding change: c.644G>T on transcript NM_017612.5 (MANE Select); coding-DNA position 644, G replaced by T.
Protein change: p.Gly215Val; replaces glycine 215 with valine.
Molecular consequence: missense variant. On other transcripts: intron variant (3).
Genome position (GRCh38, 1-based): chr12:122,483,306, C>A on the plus strand (G>T on the coding strand, the complement: ZCCHC8 is on the minus strand). VCF-style: chr12-122483306-C-A. GRCh37 (hg19) VCF-style: chr12-122967853-C-A.
Other names: c.347G>T, p.Gly116Val (NM_001350936.2); c.-43-611G>T (NM_001350938.2, NM_001350937.2); c.502-1219G>T (NM_001350935.2); short protein forms G116V, G215V.
Identifiers: ClinVar variation 3618753 (VCV003618753.2).

ClinVar aggregate classification (germline): Uncertain significance (1 of 4 stars; one submission).

gnomAD v4.1: 11 of 1,600,044 alleles (0.00069%); highest among the groups gnomAD compares: African/African-American, 0.0013%; no homozygotes.

Submission:

Labcorp Genetics (formerly Invitae), Labcorp
Classification: Uncertain significance. Last evaluated: 2024-09-09. Review status: criteria provided, single submitter. Criteria: Invitae Variant Classification Sherloc (09022015). Collection method: clinical testing. Allele origin: germline.
Comment: This sequence change replaces glycine, which is neutral and non-polar, with valine, which is neutral and non-polar, at codon 215 of the ZCCHC8 protein (p.Gly215Val). This variant is not present in population databases (gnomAD no frequency). This variant has not been reported in the literature in individuals affected with ZCCHC8-related conditions. Invitae Evidence Modeling of protein sequence and biophysical properties (such as structural, functional, and spatial information, amino acid conservation, physicochemical variation, residue mobility, and thermodynamic stability) indicates that this missense variant is expected to disrupt ZCCHC8 protein function with a positive predictive value of 80%. In summary, the available evidence is currently insufficient to determine the role of this variant in disease. Therefore, it has been classified as a Variant of Uncertain Significance.